The following is an entry in ClinVar:

ClinVar aggregate classification (germline): Uncertain significance (1 of 4 stars; one submission).

Submission:

Women's Health and Genetics/Laboratory Corporation of America, LabCorp
Classification: Uncertain significance. Last evaluated: 2025-03-04. Review status: criteria provided, single submitter. Criteria: LabCorp Variant Classification Summary - May 2015. Collection method: clinical testing. Allele origin: germline.
Comment: Variant summary: F8 c.287A>G (p.Gln96Arg) results in a conservative amino acid change in the encoded protein sequence. Five of five in-silico tools predict a benign effect of the variant on protein function. The variant was absent in 183426 control chromosomes (gnomAD). The available data on variant occurrences in the general population are insufficient to allow any conclusion about variant significance. To our knowledge, no occurrence of c.287A>G in individuals affected with Factor VIII Deficiency (Hemophilia A) and no experimental evidence demonstrating its impact on protein function have been reported. No submitters have cited clinical-significance assessments for this variant to ClinVar. Based on the evidence outlined above, the variant was classified as uncertain significance.

NM_000132.4(F8):c.287A>G (p.Gln96Arg)

Gene: F8 (coagulation factor VIII; minus strand). Cytogenetic location: Xq28.
Variant type: single nucleotide variant.
Coding change: c.287A>G on transcript NM_000132.4 (MANE Select); coding-DNA position 287, A replaced by G.
Protein change: p.Gln96Arg; replaces glutamine 96 with arginine.
Molecular consequence: missense variant.
Genome position (GRCh38, 1-based): chrX:154,997,074, T>C on the plus strand (A>G on the coding strand, the complement: F8 is on the minus strand). VCF-style: chrX-154997074-T-C. GRCh37 (hg19) VCF-style: chrX-154225349-T-C.
Other names: short protein forms Q96R.
Identifiers: ClinVar variation 3895844 (VCV003895844.1).